The following is an entry in ClinVar:

ClinVar aggregate classification (germline): Pathogenic (1 of 4 stars; one submission).

Conditions:
Fanconi anemia complementation group O. Also called: RAD51C-Related Fanconi Anemia. Identifiers: Orphanet 84, MedGen C3150653, MONDO:0013248, OMIM 613390.

Submission:

Labcorp Genetics (formerly Invitae), Labcorp
Classification: Pathogenic for Fanconi anemia complementation group O. Last evaluated: 2021-12-04. Review status: criteria provided, single submitter. Criteria: Invitae Variant Classification Sherloc (09022015). Collection method: clinical testing. Allele origin: germline.
Comment: This variant is a gross deletion of the genomic region encompassing exon(s) 6-7 of the RAD51C gene. This deletion is out-of-frame, and is expected to create a premature termination codon and result in an absent or disrupted protein product. Loss-of-function variants in RAD51C are known to be pathogenic (PMID: 20400964, 21990120, 24800917). This variant has not been reported in the literature in individuals affected with RAD51C-related conditions. For these reasons, this variant has been classified as Pathogenic.

Literature cited by the submitters: PubMed 20400964; PubMed 21990120; PubMed 24800917.

NC_000017.10:g.(?_56798097)_(56801482_?)del

Gene: RAD51C (RAD51 paralog C; plus strand). Cytogenetic location: 17q22.
Variant type: Deletion.
Identifiers: ClinVar variation 1071025 (VCV001071025.2).